The following is an entry in ClinVar:

NM_014252.4(SLC25A15):c.315-1G>A

Gene: SLC25A15 (solute carrier family 25 member 15; plus strand). Cytogenetic location: 13q14.11.
Variant type: single nucleotide variant.
Coding change: c.315-1G>A on transcript NM_014252.4 (MANE Select); the canonical splice acceptor site of the intron before coding-DNA position 315, G replaced by A.
Molecular consequence: splice acceptor variant.
Genome position (GRCh38, 1-based): chr13:40,805,117, G>A. VCF-style: chr13-40805117-G-A. GRCh37 (hg19) VCF-style: chr13-41379253-G-A.
Identifiers: ClinVar variation 1503510 (VCV001503510.8), dbSNP rs2138053997, ClinGen allele CA387917686.

ClinVar aggregate classification (germline): Likely pathogenic (1 of 4 stars; one submission).

Conditions:
Hyperornithinemia-hyperammonemia-homocitrullinuria syndrome (HHHS). Also called: Ornithine translocase deficiency; HHH SYNDROME. Identifiers: Orphanet 415, MedGen C0268540, MONDO:0009393, OMIM 238970.

Submission:

Labcorp Genetics (formerly Invitae), Labcorp
Classification: Likely pathogenic for Hyperornithinemia-hyperammonemia-homocitrullinuria syndrome. Last evaluated: 2021-04-07. Review status: criteria provided, single submitter. Criteria: Invitae Variant Classification Sherloc (09022015). Collection method: clinical testing. Allele origin: germline.
Comment: In summary, the currently available evidence indicates that the variant is pathogenic, but additional data are needed to prove that conclusively. Therefore, this variant has been classified as Likely Pathogenic. Algorithms developed to predict the effect of sequence changes on RNA splicing suggest that this variant may disrupt the consensus splice site, but this prediction has not been confirmed by published transcriptional studies. This variant has not been reported in the literature in individuals with SLC25A15-related conditions. This variant is not present in population databases (ExAC no frequency). This sequence change affects an acceptor splice site in intron 3 of the SLC25A15 gene. It is expected to disrupt RNA splicing. Variants that disrupt the donor or acceptor splice site typically lead to a loss of protein function (PMID: 16199547), and loss-of-function variants in SLC25A15 are known to be pathogenic (PMID: 11552031, 19242930).

Literature cited by the submitters: PubMed 16199547; PubMed 11552031; PubMed 19242930.